The following is an entry in ClinVar:

ClinVar aggregate classification (germline): Uncertain significance (1 of 4 stars; one submission).

Submission:

GeneDx
Classification: Uncertain significance. Last evaluated: 2025-03-08. Review status: criteria provided, single submitter. Criteria: GeneDx Variant Classification Process June 2021. Collection method: clinical testing. Allele origin: germline. Affected: yes.
Comment: Not observed at significant frequency in large population cohorts (gnomAD); In silico analysis supports that this missense variant has a deleterious effect on protein structure/function; Has not been previously published as pathogenic or benign to our knowledge

NM_002472.3(MYH8):c.4082A>G (p.Gln1361Arg)

Genes: MYH8 (myosin heavy chain 8; minus strand), MYHAS (myosin heavy chain gene cluster antisense RNA; plus strand). Cytogenetic location: 17p13.1.
Variant type: single nucleotide variant.
Coding change: c.4082A>G on transcript NM_002472.3 (MANE Select); coding-DNA position 4082, A replaced by G.
Protein change: p.Gln1361Arg; replaces glutamine 1361 with arginine.
Molecular consequence: missense variant.
Genome position (GRCh38, 1-based): chr17:10,398,540, T>C on the plus strand (A>G on the coding strand, the complement: MYH8 is on the minus strand). VCF-style: chr17-10398540-T-C. GRCh37 (hg19) VCF-style: chr17-10301857-T-C.
Other names: short protein forms Q1361R.
Identifiers: ClinVar variation 4083231 (VCV004083231.1).